The following is an entry in ClinVar:

NM_004054.4(C3AR1):c.355dup (p.Asp119fs)

Gene: C3AR1 (complement C3a receptor 1; minus strand). Cytogenetic location: 12p13.31.
Variant type: Duplication.
Coding change: c.355dup on transcript NM_004054.4 (MANE Select); coding-DNA position 355, one base duplicated (G; older notation c.355dupG).
Protein change: p.Asp119fs; shifts the reading frame from aspartic acid 119.
Molecular consequence: frameshift variant.
Genome position (GRCh38, 1-based): chr12:8,059,831, C duplicated on the plus strand (G on the coding strand, the reverse complement: C3AR1 is on the minus strand); the first of 2 consecutive C bases (chr12:8,059,831-8,059,832); duplicating either gives the same sequence. VCF-style (leftmost placement, unchanged base first): chr12-8059830-T-TC. GRCh37 (hg19) VCF-style: chr12-8212426-T-TC.
Other names: c.355dup, p.Asp119fs (NM_001326475.2, NM_001326477.2); short protein forms D119fs.
Identifiers: ClinVar variation 3352354 (VCV003352354.2).
Genomic context (GRCh38, chr12:8,059,830, plus strand): 5'-GCCATCCCTACATTGCGATGATTCTGACACCAGATTGGCTTGAATACCACAAGACAGCGA[T>TC]CCAGGCTAATGGCAGTAAGCAGGAAGACACTGGCAAACATGTTGAGGACAATGATGGAGG-3'

ClinVar aggregate classification (germline): Uncertain significance. Review status: criteria provided, single submitter (1 of 4 stars). 2 submissions from 2 submitters: Uncertain significance (1). 1 of the submissions does not count toward it. Last evaluated 2024-11-08.

Conditions:
C3AR1-related disorder. Also called: C3AR1-related condition.

Submissions (2):

Blueprint Genetics
Classification: Uncertain significance. Last evaluated: 2024-11-08. Review status: criteria provided, single submitter. Criteria: ACMG Guidelines, 2015. Collection method: clinical testing. Allele origin: germline.

PreventionGenetics, part of Exact Sciences
Classification: Uncertain significance for C3AR1-related condition. Last evaluated: 2024-05-22. Review status: no assertion criteria provided. Collection method: clinical testing. Allele origin: germline. Not counted in ClinVar's aggregate classification.
Comment: The C3AR1 c.355dupG variant is predicted to result in a frameshift and premature protein termination (p.Asp119Glyfs*52). This variant has been reported in the heterozygous state in an individual with complex hemostatic abnormalities (Leinøe et al. 2016. PubMed ID: 27551680). This variant is reported in 0.051% of alleles in individuals of European (Non-Finnish) descent in gnomAD, which may be too common to be causative. Although we suspect that this variant may be benign, at this time, the clinical significance of this variant is uncertain due to the absence of conclusive functional and genetic evidence.